The following is an entry in ClinVar:

NM_001367721.1(CASK):c.430-4T>C

Gene: CASK (calcium/calmodulin dependent serine protein kinase; minus strand). Cytogenetic location: Xp11.4.
Variant type: single nucleotide variant.
Coding change: c.430-4T>C on transcript NM_001367721.1 (MANE Select); 4 bases into the intron before coding-DNA position 430, T replaced by C.
Molecular consequence: intron variant.
Genome position (GRCh38, 1-based): chrX:41,671,534, A>G on the plus strand (T>C on the coding strand, the complement: CASK is on the minus strand). VCF-style: chrX-41671534-A-G. GRCh37 (hg19) VCF-style: chrX-41530787-A-G.
Other names: c.430-4T>C (NM_001126055.3, NM_001410745.1, NM_001126054.3 and 1 more transcripts).
Identifiers: ClinVar variation 2660354 (VCV002660354.24), dbSNP rs2519234885, ClinGen allele CA2579589379.

ClinVar aggregate classification (germline): Uncertain significance (1 of 4 stars; one submission).

Submission:

CeGaT Center for Human Genetics Tuebingen
Classification: Uncertain significance. Last evaluated: 2022-05-01. Review status: criteria provided, single submitter. Criteria: CeGaT Center For Human Genetics Tuebingen Variant Classification Criteria Version 2. Collection method: clinical testing. Allele origin: germline. Affected: yes. Observed: 1 variant allele.
Comment: CASK: PM2, BP4